The following is an entry in ClinVar:

ClinVar aggregate classification (germline): Benign/Likely benign. Review status: criteria provided, multiple submitters, no conflicts (2 of 4 stars). 2 submissions from 2 submitters: Benign (1); Likely benign (1). Last evaluated 2024-09-11.

Conditions:
Hereditary diffuse gastric adenocarcinoma (HDGC). Also called: DIFFUSE GASTRIC AND LOBULAR BREAST CANCER SYNDROME. Identifiers: Orphanet 26106, MedGen C1708349, MONDO:0007648, OMIM 137215.

Submissions (2):

Myriad Genetics, Inc.
Classification: Likely benign for Hereditary diffuse gastric adenocarcinoma. Last evaluated: 2024-09-11. Review status: criteria provided, single submitter. Criteria: Myriad Autosomal Dominant, Autosomal Recessive and X-Linked Classification Criteria (2023). Collection method: clinical testing. Allele origin: unknown.
Comment: This variant is considered likely benign. This variant is intronic and is not expected to impact mRNA splicing.

Labcorp Genetics (formerly Invitae), Labcorp
Classification: Benign for Hereditary diffuse gastric adenocarcinoma. Last evaluated: 2024-02-03. Review status: criteria provided, single submitter. Criteria: Invitae Variant Classification Sherloc (09022015). Collection method: clinical testing. Allele origin: germline.

NM_004360.5(CDH1):c.49-8del

Gene: CDH1 (cadherin 1; plus strand). Cytogenetic location: 16q22.1.
Variant type: Deletion.
Coding change: c.49-8del on transcript NM_004360.5 (MANE Select); 8 bases into the intron before coding-DNA position 49, one base deleted (C; older notation c.49-8delC).
Molecular consequence: intron variant.
Genome position (GRCh38, 1-based): chr16:68,738,289, C deleted; the last of 5 consecutive C bases (chr16:68,738,285-68,738,289); deleting any one gives the same sequence. VCF-style (leftmost placement, unchanged base first): chr16-68738284-TC-T. GRCh37 (hg19) VCF-style: chr16-68772187-TC-T.
Other names: c.-1567-8del (NM_001317185.2); c.-1771-8del (NM_001317186.2); c.49-8del (NM_001317184.2).
Identifiers: ClinVar variation 2723936 (VCV002723936.4), dbSNP rs1240151598, ClinGen allele CA2576038670.